The following is an entry in ClinVar:

ClinVar aggregate classification (germline): Uncertain significance. Review status: criteria provided, multiple submitters, no conflicts (2 of 4 stars). 2 submissions from 2 submitters: Uncertain significance (2). Last evaluated 2025-06-02.

Conditions:
Inborn genetic diseases. Identifiers: MedGen C0950123, MeSH D030342.

Allele frequency attached by ClinVar (database versions not stated): TOPMed 0.00001; ExAC 0.00002; gnomAD exomes 0.00002; ESP Exome Variant Server 0.00008.

Submissions (2):

Labcorp Genetics (formerly Invitae), Labcorp
Classification: Uncertain significance. Last evaluated: 2025-06-02. Review status: criteria provided, single submitter. Criteria: Invitae Variant Classification Sherloc (09022015). Collection method: clinical testing. Allele origin: germline.
Comment: This sequence change replaces methionine, which is neutral and non-polar, with isoleucine, which is neutral and non-polar, at codon 171 of the SYT2 protein (p.Met171Ile). This variant is present in population databases (rs200836292, gnomAD 0.003%). This variant has not been reported in the literature in individuals affected with SYT2-related conditions. ClinVar contains an entry for this variant (Variation ID: 1435939). Invitae Evidence Modeling of protein sequence and biophysical properties (such as structural, functional, and spatial information, amino acid conservation, physicochemical variation, residue mobility, and thermodynamic stability) indicates that this missense variant is not expected to disrupt SYT2 protein function with a negative predictive value of 80%. In summary, the available evidence is currently insufficient to determine the role of this variant in disease. Therefore, it has been classified as a Variant of Uncertain Significance.

Ambry Genetics
Classification: Uncertain significance for Inborn genetic diseases. Last evaluated: 2025-05-15. Review status: criteria provided, single submitter. Criteria: Ambry Variant Classification Scheme 2023. Collection method: clinical testing. Allele origin: germline.

NM_177402.5(SYT2):c.513G>A (p.Met171Ile)

Gene: SYT2 (synaptotagmin 2; minus strand). Cytogenetic location: 1q32.1.
Variant type: single nucleotide variant.
Coding change: c.513G>A on transcript NM_177402.5 (MANE Select); coding-DNA position 513, G replaced by A.
Protein change: p.Met171Ile; replaces methionine 171 with isoleucine.
Molecular consequence: missense variant.
Genome position (GRCh38, 1-based): chr1:202,602,498, C>T on the plus strand (G>A on the coding strand, the complement: SYT2 is on the minus strand). VCF-style: chr1-202602498-C-T. GRCh37 (hg19) VCF-style: chr1-202571626-C-T.
Other names: c.513G>A, p.Met171Ile (NM_001136504.1); short protein forms M171I.
Identifiers: ClinVar variation 1435939 (VCV001435939.7), dbSNP rs200836292, ClinGen allele CA1333747.
Genomic context (GRCh38, chr1:202,602,498, plus strand): 5'-ATATTTCTTCTTCTTGTCAGGAAGGAGGAAGACCTTGACATAAGGGTCTGAGGTGCCTCC[C>T]ATGTCCAGGGCAGGCAGTTCAGCAGCCTGCAGAACGCCCACAGTAAGCTGTGGAGAGAGA-3'
Protein context (NP_796376.2, residues 161-181): LQAAELPALD[Met171Ile]GGTSDPYVKV